The following is an entry in ClinVar:

NM_183050.4(BCKDHB):c.514G>T (p.Gly172Trp)

Gene: BCKDHB (branched chain keto acid dehydrogenase E1 subunit beta; plus strand). Cytogenetic location: 6q14.1.
Variant type: single nucleotide variant.
Coding change: c.514G>T on transcript NM_183050.4 (MANE Select); coding-DNA position 514, G replaced by T.
Protein change: p.Gly172Trp; replaces glycine 172 with tryptophan.
Molecular consequence: missense variant. On other transcripts: non-coding transcript variant (6).
Genome position (GRCh38, 1-based): chr6:80,168,911, G>T. VCF-style: chr6-80168911-G-T. GRCh37 (hg19) VCF-style: chr6-80878628-G-T.
Other names: c.514G>T, p.Gly172Trp (NM_001424041.1, NM_001424042.1, NM_001424044.1 and 8 more transcripts); c.304G>T, p.Gly102Trp (NM_001424043.1, NM_001318975.1); short protein forms G102W, G172W.
Identifiers: ClinVar variation 4817022 (VCV004817022.2).

ClinVar aggregate classification (germline): Conflicting classifications of pathogenicity. Review status: criteria provided, conflicting classifications (1 of 4 stars). 2 submissions from 2 submitters: Likely pathogenic (1); Uncertain significance (1). Last evaluated 2026-08-28.

Conditions:
Maple syrup urine disease type 1B (MSUD1B). Also called: MSUD type IB; MSUD type 3 (formerly); MSUD due to deficiency of e1-beta subunit of branched-chain alpha-keto acid dehydrogenase complex. Identifiers: MedGen C2930990, MONDO:0023692, OMIM 620698.

gnomAD v4.1: 2 of 1,614,106 alleles (0.00012%); highest among the groups gnomAD compares: Admixed American, 0.0033%; no homozygotes.

Submissions (2):

Myriad Genetics, Inc.
Classification: Uncertain significance for Maple syrup urine disease type 1B. Last evaluated: 2026-08-28. Review status: criteria provided, single submitter. Criteria: Myriad Autosomal Dominant, Autosomal Recessive and X-Linked Classification Criteria (2023). Collection method: clinical testing. Allele origin: unknown.
Comment: NM_183050.2(BCKDHB):c.514G>T(G172W) is a missense variant classified as a variant of uncertain significance in the context of maple syrup urine disease type Ib. G172W has been observed in cases with relevant disease (PMID: 16786533, 26232051). Relevant functional assessments of this variant are not available in the literature. G172W has been observed in referenced population frequency databases. In summary, there is insufficient evidence to classify NM_183050.2(BCKDHB):c.514G>T(G172W) as pathogenic or benign. Please note: this variant was assessed in the context of healthy population screening.

Natera, Inc.
Classification: Likely pathogenic for Maple syrup urine disease type 1B. Last evaluated: 2024-03-07. Review status: criteria provided, single submitter. Criteria: Natera Variant Classification Schema (03/2026). Collection method: clinical testing. Allele origin: germline.
Comment: The c.514G>T variant in BCKDHB is a missense variant predicted to cause substitution of glycine to tryptophan at amino acid 172. This variant is rare in the general population with a frequency below the threshold expected for the associated phenotype(s). This variant has been observed in one or more individuals affected with the associated recessive disease, as either homozygous or compound heterozygous with a second variant (PMID: 16786533, 26232051). This variant has been identified in one or more affected individuals with a phenotype highly consistent with the associated gene (PMID: 16786533). Computational prediction algorithms indicate this variant is likely to affect gene or protein function. Given the available evidence, this variant is classified as Likely Pathogenic.

Literature cited by the submitters: PubMed 16786533 (cited by Myriad Genetics, Inc. and Natera, Inc.); PubMed 26232051 (cited by Myriad Genetics, Inc. and Natera, Inc.).